The following is an entry in ClinVar:

NM_004924.6(ACTN4):c.2010+10G>A

Gene: ACTN4 (actinin alpha 4; plus strand). Cytogenetic location: 19q13.2.
Variant type: single nucleotide variant.
Coding change: c.2010+10G>A on transcript NM_004924.6 (MANE Select); 10 bases into the intron after coding-DNA position 2010, G replaced by A.
Molecular consequence: intron variant.
Genome position (GRCh38, 1-based): chr19:38,724,575, G>A. VCF-style: chr19-38724575-G-A. GRCh37 (hg19) VCF-style: chr19-39215215-G-A.
Other names: c.2010+10G>A (NM_001411143.1, NM_001322033.2, NM_004924.5).
Identifiers: ClinVar variation 2882536 (VCV002882536.4), dbSNP rs368945156, ClinGen allele CA9417847.

ClinVar aggregate classification (germline): Likely benign. Review status: criteria provided, multiple submitters, no conflicts (2 of 4 stars). 2 submissions from 2 submitters: Likely benign (2). Last evaluated 2026-04-28.

Conditions:
ACTN4-related disorder. Also called: ACTN4-related condition.

Allele frequency attached by ClinVar (database versions not stated): gnomAD 0.00001; gnomAD exomes 0.00002; TOPMed 0.00003; ExAC 0.00005; ESP Exome Variant Server 0.00008.
gnomAD v4.1: 32 of 1,613,206 alleles (0.002%); highest among the groups gnomAD compares: East Asian, 0.042%; no homozygotes.

Submissions (2):

PreventionGenetics, part of Exact Sciences
Classification: Likely benign for ACTN4-related condition. Last evaluated: 2026-04-28. Review status: criteria provided, single submitter. Criteria: ACMG Guidelines, 2015. Collection method: clinical testing. Allele origin: germline.
Comment: This variant is classified as likely benign based on ACMG/AMP sequence variant interpretation guidelines (Richards et al. 2015 PMID: 25741868, with internal and published modifications).

Labcorp Genetics (formerly Invitae), Labcorp
Classification: Likely benign. Last evaluated: 2023-03-01. Review status: criteria provided, single submitter. Criteria: Invitae Variant Classification Sherloc (09022015). Collection method: clinical testing. Allele origin: germline.